The following is an entry in ClinVar:

NM_012062.5(DNM1L):c.131G>T (p.Ser44Ile)

Gene: DNM1L (dynamin 1 like; plus strand). Cytogenetic location: 12p11.21.
Variant type: single nucleotide variant.
Coding change: c.131G>T on transcript NM_012062.5 (MANE Select); coding-DNA position 131, G replaced by T.
Protein change: p.Ser44Ile; replaces serine 44 with isoleucine.
Molecular consequence: missense variant. On other transcripts: 5 prime UTR variant (1).
Genome position (GRCh38, 1-based): chr12:32,701,443, G>T. VCF-style: chr12-32701443-G-T. GRCh37 (hg19) VCF-style: chr12-32854377-G-T.
Other names: c.131G>T, p.Ser44Ile (NM_001278463.2, NM_001278464.2, NM_001278465.2 and 3 more transcripts); c.-75G>T (NM_001278466.2); short protein forms S44I.
Identifiers: ClinVar variation 4849676 (VCV004849676.1).
Genomic context (GRCh38, chr12:32,701,443, plus strand): 5'-TCATTTTGCTCTTGTATATATTCTGTTTTCAGAGCAGCGGAAAGAGCTCAGTGCTAGAAA[G>T]CCTGGTGGGGAGGGACCTGCTTCCCAGAGGTACTGGAATTGTCACCCGGAGACCTCTCAT-3'
Protein context (NP_036192.2, residues 34-54): QSSGKSSVLE[Ser44Ile]LVGRDLLPRG

ClinVar aggregate classification (germline): Uncertain significance (1 of 4 stars; one submission).

Conditions:
Optic atrophy 5 (OPA5). Identifiers: Orphanet 98673, MedGen C1853139, MONDO:0012543, OMIM 610708.

gnomAD v4.1: 1 of 1,614,060 alleles (0.000062%); highest among the groups gnomAD compares: Non-Finnish European, 0.000085%; no homozygotes.

Submission:

Diagnostics Services (NGS), CSIR - Centre For Cellular And Molecular Biology
Classification: Uncertain significance for Optic atrophy 5. Last evaluated: 2025-11-28. Review status: criteria provided, single submitter. Criteria: ACMG Guidelines, 2015. Collection method: clinical testing. Allele origin: germline. Affected: yes. Observed: 1 variant allele, 1 heterozygote.
Comment: The c.131G>T variant is not present in publicly available population databases like 1000 Genomes, EVS, Indian Exome Database or our internal database. This variant is present in gnomAD at a low frequency. This variant has neither been published in the literature for DNM1L-related conditions nor reported to the clinical databases like Human Genome Mutation Database (HGMD), OMIM, or ClinVar, in any affected individuals. In-silico pathogenicity prediction programs like SIFT, Polyphen-2, MutationTaster2, CADD, Franklin etc predicted this variant to be likely deleterious, however these predictions were not confirmed by published functional studies.